The following is an entry in ClinVar:

NM_001164508.2(NEB):c.20545_20563del (p.Lys6849fs)

Gene: NEB (nebulin; minus strand). Cytogenetic location: 2q23.3.
Variant type: Deletion.
Coding change: c.20545_20563del on transcript NM_001164508.2 (MANE Select); coding-DNA positions 20545 to 20563, 19 bases deleted (AAAGTGCAAGAACTGAAGA).
Protein change: p.Lys6849fs; shifts the reading frame from lysine 6849.
Molecular consequence: frameshift variant.
Genome position (GRCh38, 1-based): chr2:151,545,902-151,545,920, TCTTCAGTTCTTGCACTTT deleted on the plus strand (AAAGTGCAAGAACTGAAGA on the coding strand, the reverse complement: NEB is on the minus strand); deleting any 19 consecutive bases within chr2:151,545,902-151,545,923 gives the same sequence; the c. name uses the placement nearest the transcript's 3' end. VCF-style (leftmost placement, unchanged base first): chr2-151545901-GTCTTCAGTTCTTGCACTTT-G. GRCh37 (hg19) VCF-style: chr2-152402415-GTCTTCAGTTCTTGCACTTT-G.
Other names: c.20545_20563del, p.Lys6849fs (NM_001164507.2, NM_001271208.2); c.15442_15460del, p.Lys5148fs (NM_004543.5); short protein forms K5148fs, K6849fs.
Identifiers: ClinVar variation 5013524 (VCV005013524.1).

ClinVar aggregate classification (germline): Pathogenic (1 of 4 stars; one submission).

Conditions:
Nemaline myopathy 2 (NEM2). Also called: Nemaline myopathy 2, autosomal recessive. Identifiers: MedGen C1850569, MONDO:0009725, OMIM 256030.

Submission:

Myriad Genetics, Inc.
Classification: Pathogenic for Nemaline myopathy 2. Last evaluated: 2024-09-03. Review status: criteria provided, single submitter. Criteria: Myriad Autosomal Dominant, Autosomal Recessive and X-Linked Classification Criteria (2023). Collection method: clinical testing. Allele origin: unknown.
Comment: NM_001271208.1(NEB):c.20545_20563del19(K6849Hfs*3) is expected to be pathogenic in the context of NEB-related nemaline myopathy. This variant is predicted to lead to an abnormal or absent protein product due to the creation of a premature termination codon in NEB, a gene where loss-of-function variants are known to be pathogenic. Please note: this variant was assessed in the context of healthy population screening.